The following is an entry in ClinVar:

NM_015114.3(ANKLE2):c.1687G>A (p.Glu563Lys)

Gene: ANKLE2 (ankyrin repeat and LEM domain containing 2; minus strand). Cytogenetic location: 12q24.33.
Variant type: single nucleotide variant.
Coding change: c.1687G>A on transcript NM_015114.3 (MANE Select); coding-DNA position 1687, G replaced by A.
Protein change: p.Glu563Lys; replaces glutamic acid 563 with lysine.
Molecular consequence: missense variant.
Genome position (GRCh38, 1-based): chr12:132,735,419, C>T on the plus strand (G>A on the coding strand, the complement: ANKLE2 is on the minus strand). VCF-style: chr12-132735419-C-T. GRCh37 (hg19) VCF-style: chr12-133312005-C-T.
Other names: short protein forms E563K.
Identifiers: ClinVar variation 560228 (VCV000560228.3), dbSNP rs1334824087, ClinGen allele CA387353700.

ClinVar aggregate classification (germline): Uncertain significance (1 of 4 stars; one submission).

Conditions:
Microcephaly 16, primary, autosomal recessive (MCPH16). Identifiers: Orphanet 2512, MedGen C4225249, MONDO:0014730, OMIM 616681.

Submission:

Geisinger Autism and Developmental Medicine Institute, Geisinger Health System
Classification: Uncertain significance for Microcephaly 16, primary, autosomal recessive. Last evaluated: 2018-02-27. Review status: criteria provided, single submitter. Criteria: ACMG Guidelines, 2015. Collection method: provider interpretation, clinical testing. Allele origin: unknown. Observed: 1 variant allele.
Comment: This variant is absent from population databases and has not been previously submitted to ClinVar. Computational models predict that this variant is probably damaging to protein structure and/or function. ANKLE2 is currently a gene of uncertain significance; no known human disorders have clearly been associated with this gene. ANKLE2 has been proposed as an candidate for microcephaly. Two siblings with severe microcephaly were identified to be compound heterozygous for variants in ANKLE2 (PMID 25259927). These siblings also had a history of hyper- and hypo-pigmented macules and spasticity.

Literature cited by the submitters: PubMed 25259927.